The following is an entry in ClinVar:

ClinVar aggregate classification (germline): Uncertain significance. Review status: criteria provided, multiple submitters, no conflicts (2 of 4 stars). 7 submissions from 7 submitters: Uncertain significance (5). 2 of the submissions do not count toward it. Last evaluated 2026-03-31.

Conditions:
MYH6-related disorder. Also called: MYH6-related condition; MYH6-Related Disorders.
Cardiovascular phenotype. Identifiers: MedGen CN230736.
Hypertrophic cardiomyopathy 14. Identifiers: MedGen C2750467, MONDO:0013197, OMIM 613251.

Allele frequency attached by ClinVar (database versions not stated): gnomAD exomes 0.00004 and 0.00005; ExAC 0.00005; gnomAD 0.00005 and 0.00006; TOPMed 0.00005; ESP Exome Variant Server 0.00008.
gnomAD v4.1: 69 of 1,613,202 alleles (0.0043%); highest among the groups gnomAD compares: Non-Finnish European, 0.0053%; no homozygotes.

Submissions (7):

PreventionGenetics, part of Exact Sciences
Classification: Uncertain significance for MYH6-related condition. Last evaluated: 2026-03-31. Review status: criteria provided, single submitter. Criteria: ACMG Guidelines, 2015. Collection method: clinical testing. Allele origin: germline.
Comment: The MYH6 c.4216G>A variant is predicted to result in the amino acid substitution p.Val1406Met. This variant has been reported in at least one individual with dilated cardiomyopathy (Table S1, Dal Ferro et al. 2017. PubMed ID: 28416588; Table S1, Gigli et al. 2019. PubMed ID: 31514951). This variant is reported in 0.011% of alleles in individuals of European (Non-Finnish) descent in gnomAD. At this time, the clinical significance of this variant is uncertain due to the absence of conclusive functional and genetic evidence.

Labcorp Genetics (formerly Invitae), Labcorp
Classification: Uncertain significance for Hypertrophic cardiomyopathy 14. Last evaluated: 2025-07-08. Review status: criteria provided, single submitter. Criteria: Invitae Variant Classification Sherloc (09022015). Collection method: clinical testing. Allele origin: germline.
Comment: This sequence change replaces valine, which is neutral and non-polar, with methionine, which is neutral and non-polar, at codon 1406 of the MYH6 protein (p.Val1406Met). This variant is present in population databases (rs201566738, gnomAD 0.01%). This missense change has been observed in individual(s) with dilated cardiomyopathy (PMID: 28416588). ClinVar contains an entry for this variant (Variation ID: 180426). Invitae Evidence Modeling of protein sequence and biophysical properties (such as structural, functional, and spatial information, amino acid conservation, physicochemical variation, residue mobility, and thermodynamic stability) indicates that this missense variant is not expected to disrupt MYH6 protein function with a negative predictive value of 80%. In summary, the available evidence is currently insufficient to determine the role of this variant in disease. Therefore, it has been classified as a Variant of Uncertain Significance.

GeneDx
Classification: Uncertain significance. Last evaluated: 2025-04-07. Review status: criteria provided, single submitter. Criteria: GeneDx Variant Classification Process June 2021. Collection method: clinical testing. Allele origin: germline. Affected: yes.
Comment: Reported in at least one patient with dilated cardiomyopathy (PMID: 28416588, 31514951); In silico analysis indicates that this missense variant does not alter protein structure/function; This variant is associated with the following publications: (PMID: 31514951, 28416588)

Ambry Genetics
Classification: Uncertain significance for Cardiovascular phenotype. Last evaluated: 2022-06-02. Review status: criteria provided, single submitter. Criteria: Ambry Variant Classification Scheme 2023. Collection method: clinical testing. Allele origin: germline.
Comment: The p.V1406M variant (also known as c.4216G>A), located in coding exon 28 of the MYH6 gene, results from a G to A substitution at nucleotide position 4216. The valine at codon 1406 is replaced by methionine, an amino acid with highly similar properties. This variant has been detected in a dilated cardiomyopathy cohort; however, details were limited (Gigli M et al. J Am Coll Cardiol, 2019 09;74:1480-1490). This amino acid position is well conserved in available vertebrate species. In addition, the in silico prediction for this alteration is inconclusive. Since supporting evidence is limited at this time, the clinical significance of this alteration remains unclear.

Breakthrough Genomics
Classification: Uncertain significance. Review status: criteria provided, single submitter. Criteria: ACMG Guidelines, 2015. Collection method: not provided. Allele origin: germline. Inheritance: Autosomal dominant inheritance. Affected: yes.

Diagnostic Laboratory, Department of Genetics, University Medical Center Groningen
Classification: Uncertain significance. Review status: no assertion criteria provided. Collection method: clinical testing. Allele origin: germline. Affected: yes. Study: VKGL Data-share Consensus. Not counted in ClinVar's aggregate classification.

Joint Genome Diagnostic Labs from Nijmegen and Maastricht, Radboudumc and MUMC+
Classification: Uncertain significance. Review status: no assertion criteria provided. Collection method: clinical testing. Allele origin: germline. Affected: yes. Study: VKGL Data-share Consensus. Not counted in ClinVar's aggregate classification.

Literature cited by the submitters: PubMed 28416588 (cited by Labcorp Genetics (formerly Invitae), Labcorp); PubMed 31514951 (cited by Ambry Genetics).

NM_002471.4(MYH6):c.4216G>A (p.Val1406Met)

Gene: MYH6 (myosin heavy chain 6; minus strand). Cytogenetic location: 14q11.2.
Variant type: single nucleotide variant.
Coding change: c.4216G>A on transcript NM_002471.4 (MANE Select); coding-DNA position 4216, G replaced by A.
Protein change: p.Val1406Met; replaces valine 1406 with methionine.
Molecular consequence: missense variant.
Genome position (GRCh38, 1-based): chr14:23,388,298, C>T on the plus strand (G>A on the coding strand, the complement: MYH6 is on the minus strand). VCF-style: chr14-23388298-C-T. GRCh37 (hg19) VCF-style: chr14-23857507-C-T.
Other names: short protein forms V1406M.
Identifiers: ClinVar variation 180426 (VCV000180426.23), dbSNP rs201566738, ClinGen allele CA346489.